The following is an entry in ClinVar:

NM_006846.4(SPINK5):c.2442-16A>G

Gene: SPINK5 (serine peptidase inhibitor Kazal type 5; plus strand). Cytogenetic location: 5q32.
Variant type: single nucleotide variant.
Coding change: c.2442-16A>G on transcript NM_006846.4 (MANE Select); 16 bases into the intron before coding-DNA position 2442, A replaced by G.
Molecular consequence: intron variant.
Genome position (GRCh38, 1-based): chr5:148,120,279, A>G. VCF-style: chr5-148120279-A-G. GRCh37 (hg19) VCF-style: chr5-147499842-A-G.
Other names: c.2442-16A>G (NM_001127698.2, NM_001127699.2).
Identifiers: ClinVar variation 378643 (VCV000378643.12), dbSNP rs148657069, ClinGen allele CA3495998.

ClinVar aggregate classification (germline): Benign/Likely benign. Review status: criteria provided, multiple submitters, no conflicts (2 of 4 stars). 4 submissions from 4 submitters: Benign (1); Likely benign (3). Last evaluated 2026-01-23.

Conditions:
Ichthyosis linearis circumflexa. Identifiers: MedGen C0265962, MONDO:0043106, HP:0025810.

Allele frequency attached by ClinVar (database versions not stated): gnomAD exomes 0.00030 and 0.00079; ExAC 0.00118; gnomAD 0.00302 and 0.00338; ESP Exome Variant Server 0.00304; 1000 Genomes Project 30x 0.00375; TOPMed 0.00383; 1000 Genomes Project 0.00399.
gnomAD v4.1: 922 of 1,605,676 alleles (0.057%); highest among the groups gnomAD compares: African/African-American, 1.1%; 4 homozygotes.

Submissions (4):

Women's Health and Genetics/Laboratory Corporation of America, LabCorp
Classification: Likely benign. Last evaluated: 2026-01-23. Review status: criteria provided, single submitter. Criteria: LabCorp Variant Classification Summary - May 2015. Collection method: clinical testing. Allele origin: germline.

Labcorp Genetics (formerly Invitae), Labcorp
Classification: Benign for Ichthyosis linearis circumflexa. Last evaluated: 2026-01-13. Review status: criteria provided, single submitter. Criteria: Invitae Variant Classification Sherloc (09022015). Collection method: clinical testing. Allele origin: germline.

Blueprint Genetics
Classification: Likely benign. Last evaluated: 2024-11-26. Review status: criteria provided, single submitter. Criteria: ACMG Guidelines, 2015. Collection method: clinical testing. Allele origin: germline.

GeneDx
Classification: Likely benign. Last evaluated: 2016-08-22. Review status: criteria provided, single submitter. Criteria: GeneDx Variant Classification (06012015). Collection method: clinical testing. Allele origin: germline. Affected: yes.
Comment: This variant is considered likely benign or benign based on one or more of the following criteria: it is a conservative change, it occurs at a poorly conserved position in the protein, it is predicted to be benign by multiple in silico algorithms, and/or has population frequency not consistent with disease.